The following is an entry in ClinVar:

ClinVar aggregate classification (germline): Uncertain significance. Review status: criteria provided, multiple submitters, no conflicts (2 of 4 stars). 3 submissions from 3 submitters: Uncertain significance (3). Last evaluated 2025-05-19.

Conditions:
Hereditary cancer-predisposing syndrome. Also called: Neoplastic Syndromes, Hereditary; Tumor predisposition; Hereditary Cancer Syndrome; Hereditary neoplastic syndrome. Identifiers: Orphanet 140162, MedGen C0027672, MeSH D009386, MONDO:0015356.
POLD1-related polyposis and colorectal cancer syndrome (CRCS10). Also called: COLORECTAL CANCER, SUSCEPTIBILITY TO, ON CHROMOSOME 19q; Colorectal cancer 10; Colorectal cancer, susceptibility to, 10. Identifiers: Orphanet 220460, MedGen C2675481, MONDO:0012953, OMIM 612591.

Submissions (3):

Labcorp Genetics (formerly Invitae), Labcorp
Classification: Uncertain significance for POLD1-related polyposis and colorectal cancer syndrome. Last evaluated: 2025-05-19. Review status: criteria provided, single submitter. Criteria: Invitae Variant Classification Sherloc (09022015). Collection method: clinical testing. Allele origin: germline.
Comment: This sequence change replaces arginine, which is basic and polar, with serine, which is neutral and polar, at codon 1008 of the POLD1 protein (p.Arg1008Ser). This variant is not present in population databases (gnomAD no frequency). This variant has not been reported in the literature in individuals affected with POLD1-related conditions. ClinVar contains an entry for this variant (Variation ID: 2501995). Invitae Evidence Modeling of protein sequence and biophysical properties (such as structural, functional, and spatial information, amino acid conservation, physicochemical variation, residue mobility, and thermodynamic stability) indicates that this missense variant is not expected to disrupt POLD1 protein function with a negative predictive value of 80%. In summary, the available evidence is currently insufficient to determine the role of this variant in disease. Therefore, it has been classified as a Variant of Uncertain Significance.

Ambry Genetics
Classification: Uncertain significance for Hereditary cancer-predisposing syndrome. Last evaluated: 2023-11-27. Review status: criteria provided, single submitter. Criteria: Ambry Variant Classification Scheme 2023. Collection method: clinical testing. Allele origin: germline.
Comment: The p.R1008S variant (also known as c.3022C>A), located in coding exon 23 of the POLD1 gene, results from a C to A substitution at nucleotide position 3022. The arginine at codon 1008 is replaced by serine, an amino acid with dissimilar properties. This amino acid position is conserved. In addition, this alteration is predicted to be tolerated by in silico analysis. Since supporting evidence is limited at this time, the clinical significance of this alteration remains unclear.

GeneDx
Classification: Uncertain significance. Last evaluated: 2022-11-09. Review status: criteria provided, single submitter. Criteria: GeneDx Variant Classification Process June 2021. Collection method: clinical testing. Allele origin: germline. Affected: yes.
Comment: Not observed at significant frequency in large population cohorts (gnomAD); In silico analysis supports that this missense variant has a deleterious effect on protein structure/function; Has not been previously published as pathogenic or benign to our knowledge; This variant is associated with the following publications: (PMID: 19296856)

NM_002691.4(POLD1):c.3022C>A (p.Arg1008Ser)

Gene: POLD1 (DNA polymerase delta 1, catalytic subunit; plus strand). Cytogenetic location: 19q13.33.
Variant type: single nucleotide variant.
Coding change: c.3022C>A on transcript NM_002691.4 (MANE Select); coding-DNA position 3022, C replaced by A.
Protein change: p.Arg1008Ser; replaces arginine 1008 with serine.
Molecular consequence: missense variant. On other transcripts: non-coding transcript variant (1).
Genome position (GRCh38, 1-based): chr19:50,416,678, C>A. VCF-style: chr19-50416678-C-A. GRCh37 (hg19) VCF-style: chr19-50919935-C-A.
Other names: c.3022C>A, p.Arg1008Ser (NM_001256849.1); c.3100C>A, p.Arg1034Ser (NM_001308632.1); c.3022C>A (NM_002691.2); short protein forms R1008S, R1034S.
Identifiers: ClinVar variation 2501995 (VCV002501995.5), dbSNP rs1044937882, ClinGen allele CA406986939.